The following is an entry in ClinVar:

NM_015141.4(GPD1L):c.928C>A (p.Arg310Ser)

Gene: GPD1L (glycerol-3-phosphate dehydrogenase 1 like; plus strand). Cytogenetic location: 3p22.3.
Variant type: single nucleotide variant.
Coding change: c.928C>A on transcript NM_015141.4 (MANE Select); coding-DNA position 928, C replaced by A.
Protein change: p.Arg310Ser; replaces arginine 310 with serine.
Molecular consequence: missense variant.
Genome position (GRCh38, 1-based): chr3:32,159,643, C>A. VCF-style: chr3-32159643-C-A. GRCh37 (hg19) VCF-style: chr3-32201135-C-A.
Other names: short protein forms R310S.
Identifiers: ClinVar variation 576917 (VCV000576917.8), dbSNP rs1216770303, ClinGen allele CA351969930.
Genomic context (GRCh38, chr3:32,159,643, plus strand): 5'-GAGAAGGAGATGCTGAATGGGCAAAAGCTCCAAGGACCGCAGACTTCTGCTGAAGTGTAC[C>A]GCATCCTCAAACAGAAGGGACTACTGGACAAGTAAGTCTCTCAGTCGCCCATGAGACCAG-3'
Protein context (NP_055956.1, residues 300-320): QGPQTSAEVY[Arg310Ser]ILKQKGLLDK

ClinVar aggregate classification (germline): Uncertain significance. Review status: criteria provided, multiple submitters, no conflicts (2 of 4 stars). 2 submissions from 2 submitters: Uncertain significance (2). Last evaluated 2025-11-18.

Conditions:
Brugada syndrome. Also called: Sudden Unexplained Death Syndrome; Sudden Unexplained Nocturnal Death Syndrome (SUNDS); Sudden unexplained nocturnal death syndrome; Sudden unexpected nocturnal death syndrome. Identifiers: Orphanet 130, MedGen C1142166, MONDO:0015263.
Cardiovascular phenotype. Identifiers: MedGen CN230736.

gnomAD v4.1: 1 of 1,611,322 alleles (0.000062%); highest among the groups gnomAD compares: Non-Finnish European, 0.000085%; no homozygotes.

Submissions (2):

Labcorp Genetics (formerly Invitae), Labcorp
Classification: Uncertain significance for Brugada syndrome. Last evaluated: 2025-11-18. Review status: criteria provided, single submitter. Criteria: Invitae Variant Classification Sherloc (09022015). Collection method: clinical testing. Allele origin: germline.
Comment: This sequence change replaces arginine, which is basic and polar, with serine, which is neutral and polar, at codon 310 of the GPD1L protein (p.Arg310Ser). This variant is not present in population databases (gnomAD no frequency). This variant has not been reported in the literature in individuals affected with GPD1L-related conditions. ClinVar contains an entry for this variant (Variation ID: 576917). Invitae Evidence Modeling of protein sequence and biophysical properties (such as structural, functional, and spatial information, amino acid conservation, physicochemical variation, residue mobility, and thermodynamic stability) indicates that this missense variant is not expected to disrupt GPD1L protein function with a negative predictive value of 80%. In summary, the available evidence is currently insufficient to determine the role of this variant in disease. Therefore, it has been classified as a Variant of Uncertain Significance.

Ambry Genetics
Classification: Uncertain significance for Cardiovascular phenotype. Last evaluated: 2025-09-25. Review status: criteria provided, single submitter. Criteria: Ambry Variant Classification Scheme 2023. Collection method: clinical testing. Allele origin: germline.